The following is an entry in ClinVar:

NM_133459.4(CCBE1):c.991C>T (p.Pro331Ser)

Gene: CCBE1 (collagen and calcium binding EGF domains 1; minus strand). Cytogenetic location: 18q21.32.
Variant type: single nucleotide variant.
Coding change: c.991C>T on transcript NM_133459.4 (MANE Select); coding-DNA position 991, C replaced by T.
Protein change: p.Pro331Ser; replaces proline 331 with serine.
Molecular consequence: missense variant.
Genome position (GRCh38, 1-based): chr18:59,436,138, G>A on the plus strand (C>T on the coding strand, the complement: CCBE1 is on the minus strand). VCF-style: chr18-59436138-G-A. GRCh37 (hg19) VCF-style: chr18-57103370-G-A.
Other names: short protein forms P331S.
Identifiers: ClinVar variation 1473751 (VCV001473751.8), dbSNP rs1044732773, ClinGen allele CA301038585.

ClinVar aggregate classification (germline): Uncertain significance (1 of 4 stars; one submission).

Allele frequency attached by ClinVar (database versions not stated): TOPMed below 0.00001; gnomAD 0.00001.
gnomAD v4.1: 4 of 1,613,982 alleles (0.00025%); highest among the groups gnomAD compares: Non-Finnish European, 0.00034%; no homozygotes.

Submission:

Labcorp Genetics (formerly Invitae), Labcorp
Classification: Uncertain significance. Last evaluated: 2022-04-23. Review status: criteria provided, single submitter. Criteria: Invitae Variant Classification Sherloc (09022015). Collection method: clinical testing. Allele origin: germline.
Comment: In summary, the available evidence is currently insufficient to determine the role of this variant in disease. Therefore, it has been classified as a Variant of Uncertain Significance. This sequence change replaces proline, which is neutral and non-polar, with serine, which is neutral and polar, at codon 331 of the CCBE1 protein (p.Pro331Ser). This variant is present in population databases (no rsID available, gnomAD 0.0009%). This variant has not been reported in the literature in individuals affected with CCBE1-related conditions. Algorithms developed to predict the effect of missense changes on protein structure and function are either unavailable or do not agree on the potential impact of this missense change (SIFT: "Deleterious"; PolyPhen-2: "Benign"; Align-GVGD: "Class C65").